The following is an entry in ClinVar:

NM_004304.5(ALK):c.4028C>G (p.Thr1343Ser)

Gene: ALK (ALK receptor tyrosine kinase; minus strand). Cytogenetic location: 2p23.2.
Variant type: single nucleotide variant.
Coding change: c.4028C>G on transcript NM_004304.5 (MANE Select); coding-DNA position 4028, C replaced by G.
Protein change: p.Thr1343Ser; replaces threonine 1343 with serine.
Molecular consequence: missense variant.
Genome position (GRCh38, 1-based): chr2:29,197,587, G>C on the plus strand (C>G on the coding strand, the complement: ALK is on the minus strand). VCF-style: chr2-29197587-G-C. GRCh37 (hg19) VCF-style: chr2-29420453-G-C.
Other names: c.824C>G, p.Thr275Ser (NM_001353765.2); short protein forms T1343S, T275S.
Identifiers: ClinVar variation 1737157 (VCV001737157.2), dbSNP rs753763148, ClinGen allele CA346466015.
Genomic context (GRCh38, chr2:29,197,587, plus strand): 5'-CTAAAAGAGTCATACACAGGCCCAGGGCAGTTCTTGGGTGGGTCCATCCGGCCTCCACTG[G>C]TGACAAACTCCAGAACTTCCTGGTTGCTTTTGCTGGGGTATGGCATATATCCAAGAGAAA-3'
Protein context (NP_004295.2, residues 1333-1353): KSNQEVLEFV[Thr1343Ser]SGGRMDPPKN

ClinVar aggregate classification (germline): Uncertain significance (1 of 4 stars; one submission).

Conditions:
Hereditary cancer-predisposing syndrome. Also called: Neoplastic Syndromes, Hereditary; Tumor predisposition; Hereditary Cancer Syndrome; Hereditary neoplastic syndrome. Identifiers: Orphanet 140162, MedGen C0027672, MeSH D009386, MONDO:0015356.

gnomAD v4.1: 1 of 1,613,764 alleles (0.000062%); highest among the groups gnomAD compares: Non-Finnish European, 0.000085%; no homozygotes.

Submission:

Ambry Genetics
Classification: Uncertain significance for Hereditary cancer-predisposing syndrome. Last evaluated: 2020-10-30. Review status: criteria provided, single submitter. Criteria: Ambry Variant Classification Scheme 2023. Collection method: clinical testing. Allele origin: germline.
Comment: The p.T1343S variant (also known as c.4028C>G), located in coding exon 27 of the ALK gene, results from a C to G substitution at nucleotide position 4028. The threonine at codon 1343 is replaced by serine, an amino acid with similar properties. This amino acid position is highly conserved in available vertebrate species. In addition, the in silico prediction for this alteration is inconclusive. Since supporting evidence is limited at this time, the clinical significance of this alteration remains unclear.